The following is an entry in ClinVar:

NM_000051.4(ATM):c.4724G>A (p.Arg1575His)

Gene: ATM (ATM serine/threonine kinase; plus strand). Cytogenetic location: 11q22.3.
Variant type: single nucleotide variant.
Coding change: c.4724G>A on transcript NM_000051.4 (MANE Select); coding-DNA position 4724, G replaced by A.
Protein change: p.Arg1575His; replaces arginine 1575 with histidine.
Molecular consequence: missense variant.
Genome position (GRCh38, 1-based): chr11:108,293,425, G>A. VCF-style: chr11-108293425-G-A. GRCh37 (hg19) VCF-style: chr11-108164152-G-A.
Other names: p.R1575H:CGT>CAT; p.Arg1575His; c.4724G>A, p.Arg1575His (NM_001351834.2); c.4724G>A (NM_000051.2); short protein forms R1575H.
Identifiers: ClinVar variation 181960 (VCV000181960.52), dbSNP rs550552791, ClinGen allele CA298254.

ClinVar aggregate classification (germline): Conflicting classifications of pathogenicity. Review status: criteria provided, conflicting classifications (1 of 4 stars). 21 submissions from 21 submitters: Uncertain significance (16); Likely benign (2). 3 of the submissions do not count toward it. Last evaluated 2026-04-21.

Conditions:
ATM-related cancer predisposition. Also called: ATM-related cancer susceptibility. Identifiers: MedGen CN377759, MONDO:0700270.
ATM-related disorder. Also called: ATM-related disorders; ATM-related condition.
Familial colorectal cancer type X. Identifiers: Orphanet 440437, MedGen C3896578, MONDO:0018604.
Hereditary cancer-predisposing syndrome. Also called: Neoplastic Syndromes, Hereditary; Tumor predisposition; Hereditary neoplastic syndrome; Hereditary Cancer Syndrome. Identifiers: Orphanet 140162, MedGen C0027672, MeSH D009386, MONDO:0015356.
Hereditary breast ovarian cancer syndrome. Also called: Hereditary breast and/or ovarian cancer syndrome; Hereditary breast and ovarian cancer syndrome; Hereditary breast and ovarian cancer; Hereditary breast and ovarian cancer syndrome (HBOC); Breast and ovarian cancer; BRCA1- and BRCA2-Associated Hereditary Breast and Ovarian Cancer. Identifiers: Orphanet 145, MedGen C0677776, MeSH D061325, MONDO:0003582. Disease mechanism: loss of function.
Familial cancer of breast. Also called: Hereditary breast cancer; BREAST CANCER, FAMILIAL; hereditary breast carcinoma. Identifiers: Orphanet 227535, MedGen C0346153, MONDO:0016419, OMIM 114480. Disease mechanism: loss of function.
Ataxia-telangiectasia syndrome (AT). Also called: Cerebello-oculocutaneous telangiectasia; Immunodeficiency with ataxia telangiectasia; AT, COMPLEMENTATION GROUP C; LOUIS-BAR SYNDROME; Ataxia-telangiectasia, complementation group E; ATAXIA-TELANGIECTASIA, COMPLEMENTATION GROUP A. Identifiers: Orphanet 100, MedGen C0004135, MONDO:0008840, OMIM 208900.

Allele frequency attached by ClinVar (database versions not stated): gnomAD 0.00004 and 0.00005; gnomAD exomes 0.00006 and 0.00010; TOPMed 0.00006; ExAC 0.00011.
gnomAD v4.1: 144 of 1,612,438 alleles (0.0089%); highest among the groups gnomAD compares: Non-Finnish European, 0.012%; no homozygotes.

Submissions 1 to 8 of 21:

Dasa
Classification: Uncertain significance for ATM-related cancer predisposition. Last evaluated: 2026-04-21. Review status: criteria provided, single submitter. Criteria: DASA Assertion Criteria. Collection method: clinical testing. Allele origin: germline.
Comment: NM_000051.4(ATM):c.4724G>A (p.Arg1575His) is a missense variant that results in the substitution of arginine with histidine. Functional evidence supports an impact on the gene or gene product (PMID: 18573109; PMID: 19781682; PMID: 21933854; PMID: 23585524; PMID: 26580448). Also, this variant is rare in population databases. The currently available literature and clinical evidence are not sufficient to establish a definitive association between this variant and the reported condition. Therefore, this variant is classified as a variant of uncertain significance.

Labcorp Genetics (formerly Invitae), Labcorp
Classification: Likely benign for Ataxia-telangiectasia syndrome. Last evaluated: 2026-01-26. Review status: criteria provided, single submitter. Criteria: Invitae Variant Classification Sherloc (09022015). Collection method: clinical testing. Allele origin: germline.

PreventionGenetics, part of Exact Sciences
Classification: Uncertain significance for ATM-related condition. Last evaluated: 2026-01-08. Review status: criteria provided, single submitter. Criteria: ACMG Guidelines, 2015. Collection method: clinical testing. Allele origin: germline.
Comment: The ATM c.4724G>A variant is predicted to result in the amino acid substitution p.Arg1575His. This variant has been reported in individuals with breast cancer (Tavtigian et al. 2009. PubMed ID: 19781682; Decker et al. 2017. PubMed ID: 28779002; Momozawa et al. 2018. PubMed ID: 30287823), three individuals with chronic lymphocytic leukemia (CLL) (Skowronka et al. 2012. PubMed ID: 21933854; Navrkalova et al. 2013. PubMed ID: 23585524; Table S2, Petrackova et al. 2022. PubMed ID: 36029002), an individual with early onset colorectal cancer (Pearlman et al. 2017. PubMed ID: 27978560), an individual with sporadic multiple myeloma (Austen et al. 2008. PubMed ID: 18573109), and an individual with biliary tract cancer (Table S2, Okawa et al. 2022. PubMed ID: 36243179). However, it has also been reported in breast cancer and CLL control individuals (Skowronka et al. 2012. PubMed ID: 21933854; Momozawa et al. 2018. PubMed ID: 30287823). In vitro experimental studies suggest that this variant does not impact ATM protein expression or kinase activity (Austen et al. 2008. PubMed ID: 18573109; Barone et al. 2009. PubMed ID: 19431188). This variant is reported in 0.012% of alleles in individuals of European (Non-Finnish) descent in gnomAD and is interpreted as uncertain by the vast majority of clinical laboratories in ClinVar (Variation ID: 181960). At this time, the clinical significance of this variant is uncertain due to the absence of conclusive functional and genetic evidence.

Color Diagnostics, LLC DBA Color Health
Classification: Uncertain significance for Hereditary cancer-predisposing syndrome. Last evaluated: 2025-12-10. Review status: criteria provided, single submitter. Criteria: ACMG Guidelines, 2015. Collection method: clinical testing. Allele origin: germline.
Comment: This missense variant replaces arginine with histidine at codon 1575 of the ATM protein. Computational predictions are inconclusive regarding the impact of this variant on protein structure and function. Functional studies have shown that this variant does not affect kinase activity of ATM protein (PMID: 18573109, 19431188). This variant has been reported in individuals affected with breast cancer, chronic lymphocytic leukemia, and rectal cancer (PMID: 19781682, 23585524, 27978560, 30287823, 36200007), and in unaffected individuals (PMID: 21933854, 30287823, 34262154). This variant has been detected in a breast cancer case-control meta-analysis in 8/60466 cases and 6/53461 controls (OR=1.179, 95%CI 0.409 to 3.398, p-value=0.796PMID: 33471991). This variant has been detected in 2 individuals older than age 70 years who have never had cancer (FLOSSIES database). This variant has been identified in 144/1612438 chromosomes in the general population by the Genome Aggregation Database (gnomAD). The available evidence is insufficient to determine the role of this variant in disease conclusively. Therefore, this variant is classified as a Variant of Uncertain Significance.

Ambry Genetics
Classification: Uncertain significance for Hereditary cancer-predisposing syndrome. Last evaluated: 2025-04-10. Review status: criteria provided, single submitter. Criteria: Ambry Variant Classification Scheme 2023. Collection method: clinical testing. Allele origin: germline.
Comment: The p.R1575H variant (also known as c.4724G>A), located in coding exon 30 of the ATM gene, results from a G to A substitution at nucleotide position 4724. The arginine at codon 1575 is replaced by histidine, an amino acid with highly similar properties. This alteration has been detected in individuals diagnosed with breast cancer and control individuals across numerous studies (Tavtigian S et al. Am. J. Hum. Genet. 2009 Oct;85(4):427-46; Hauke J et al. Cancer Med, 2018 04;7:1349-1358; Momozawa Y et al. Nat Commun, 2018 10;9:4083; Rizzolo P et al. Int J Cancer, 2019 07;145:390-400; Mittal A et al. Ecancermedicalscience, 2022 Aug;16:1434). This alteration has also been identified in individuals diagnosed with CLL, medulloblastoma and early onset colorectal cancer (Skowronska A et al. Haematologica 2012 Jan;97:142-6; Zhang J et al. N Engl J Med, 2015 Dec;373:2336-2346; Pearlman R et al. JAMA Oncol. 2017 Apr;3(4):464-471). Functional analysis of this alteration found normal protein levels and kinase activity compared to wild type (Austen B et al. Br. J. Haematol. 2008 Sep;142(6):925-33; Barone G et al. Hum. Mutat. 2009 Aug;30:1222-30). This amino acid position is highly conserved in available vertebrate species. In addition, the in silico prediction for this alteration is inconclusive. Based on the available evidence, the clinical significance of this variant remains unclear.

Center for Genomic Medicine, Rigshospitalet, Copenhagen University Hospital
Classification: Uncertain significance. Last evaluated: 2025-03-04. Review status: criteria provided, single submitter. Criteria: ACMG Guidelines, 2015. Collection method: clinical testing. Allele origin: germline.

Women's Health and Genetics/Laboratory Corporation of America, LabCorp
Classification: Uncertain significance. Last evaluated: 2025-03-03. Review status: criteria provided, single submitter. Criteria: LabCorp Variant Classification Summary - May 2015. Collection method: clinical testing. Allele origin: germline.
Comment: Variant summary: ATM c.4724G>A (p.Arg1575His) results in a non-conservative amino acid change in the encoded protein sequence. Four of five in-silico tools predict a damaging effect of the variant on protein function. The variant allele was found at a frequency of 5.9e-05 in 255778 control chromosomes. This frequency is not significantly higher than estimated for a pathogenic variant in ATM causing Breast Cancer (5.9e-05 vs 0.001), allowing no conclusion about variant significance. c.4724G>A has been reported in the literature in individuals affected with Breast Cancer (e.g. Tavtigian_2009, Momozawa_2018, Rizzolo_2019, Bhai_2021), and in individuals with a variety of other cancers (e.g. Austen_2008, Navrkalova_2012, Pearlman_2016, Lu_2015), but also in healthy controls (e.g. Momozawa_2018, Dalmasso_2021). These reports do not provide unequivocal conclusions about association of the variant with Breast Cancer. At least one publication reports experimental evidence evaluating an impact on protein function and found no damaging effect of this variant on ATM kinase activity (Austen_2008). The following publications have been ascertained in the context of this evaluation (PMID: 18573109, 34262154, 26689913, 30287823, 23585524, 27978560, 19781682, 26787654, 30613976, 34326862). ClinVar contains an entry for this variant (Variation ID: 181960). Based on the evidence outlined above, the variant was classified as uncertain significance.

Quest Diagnostics Nichols Institute San Juan Capistrano
Classification: Uncertain significance. Last evaluated: 2025-01-15. Review status: criteria provided, single submitter. Criteria: Quest Diagnostics criteria. Collection method: clinical testing. Allele origin: unknown.